The following is an entry in ClinVar:

NM_000376.3(VDR):c.720G>T (p.Lys240Asn)

Gene: VDR (vitamin D receptor; minus strand). Cytogenetic location: 12q13.11.
Variant type: single nucleotide variant.
Coding change: c.720G>T on transcript NM_000376.3 (MANE Select); coding-DNA position 720, G replaced by T.
Protein change: p.Lys240Asn; replaces lysine 240 with asparagine.
Molecular consequence: missense variant.
Genome position (GRCh38, 1-based): chr12:47,855,665, C>A on the plus strand (G>T on the coding strand, the complement: VDR is on the minus strand). VCF-style: chr12-47855665-C-A. GRCh37 (hg19) VCF-style: chr12-48249448-C-A.
Other names: c.720G>T, p.Lys240Asn (NM_001017535.2, NM_001364085.2, NM_001374661.1 and 1 more transcripts); c.870G>T, p.Lys290Asn (NM_001017536.2); c.720G>T (NM_001017535.1); short protein forms K240N, K290N.
Identifiers: ClinVar variation 2162565 (VCV002162565.2), dbSNP rs200296058, ClinGen allele CA6533873.

ClinVar aggregate classification (germline): Uncertain significance. Review status: criteria provided, multiple submitters, no conflicts (2 of 4 stars). 2 submissions from 2 submitters: Uncertain significance (2). Last evaluated 2024-04-22.

Conditions:
Vitamin D-dependent rickets type II with alopecia (VDDR2A). Also called: GENERALIZED RESISTANCE TO 1,25-DIHYDROXYVITAMIN D; HYPOCALCEMIC VITAMIN D-RESISTANT RICKETS; PDDR IIA; PSEUDOVITAMIN D-DEFICIENCY, TYPE IIA; RICKETS, HEREDITARY VITAMIN D-RESISTANT; RICKETS-ALOPECIA SYNDROME. Identifiers: Orphanet 93160, MedGen C0342646, MONDO:0010186, OMIM 277440.

Allele frequency attached by ClinVar (database versions not stated): ExAC 0.00007; ESP Exome Variant Server 0.00008; gnomAD 0.00016; TOPMed 0.00016; 1000 Genomes Project 30x 0.00031; 1000 Genomes Project 0.00040.
gnomAD v4.1: 60 of 1,614,120 alleles (0.0037%); highest among the groups gnomAD compares: African/African-American, 0.063%; no homozygotes.

Submissions (2):

Fulgent Genetics
Classification: Uncertain significance for Vitamin D-dependent rickets type II with alopecia. Last evaluated: 2024-04-22. Review status: criteria provided, single submitter. Criteria: ACMG Guidelines, 2015. Collection method: clinical testing. Allele origin: germline.

Labcorp Genetics (formerly Invitae), Labcorp
Classification: Uncertain significance. Last evaluated: 2022-08-05. Review status: criteria provided, single submitter. Criteria: Invitae Variant Classification Sherloc (09022015). Collection method: clinical testing. Allele origin: germline.
Comment: This sequence change replaces lysine, which is basic and polar, with asparagine, which is neutral and polar, at codon 240 of the VDR protein (p.Lys240Asn). This variant is present in population databases (rs200296058, gnomAD 0.05%). This variant has not been reported in the literature in individuals affected with VDR-related conditions. Algorithms developed to predict the effect of missense changes on protein structure and function are either unavailable or do not agree on the potential impact of this missense change (SIFT: "Deleterious"; PolyPhen-2: "Probably Damaging"; Align-GVGD: "Class C0"). In summary, the available evidence is currently insufficient to determine the role of this variant in disease. Therefore, it has been classified as a Variant of Uncertain Significance.